The following is an entry in ClinVar:

ClinVar aggregate classification (germline): Uncertain significance (1 of 4 stars; one submission).

Conditions:
Ehlers-Danlos syndrome, classic type, 1 (EDSCL1). Also called: EHLERS-DANLOS SYNDROME, GRAVIS TYPE; EHLERS-DANLOS SYNDROME, SEVERE CLASSIC TYPE; Ehlers-Danlos syndrome, type 1; EDS I; Ehlers-Danlos Syndrome, Classic Type, COL5A1-Related. Identifiers: MedGen C0268335, MONDO:0019567, OMIM 130000.

Allele frequency attached by ClinVar (database versions not stated): gnomAD exomes below 0.00001.
gnomAD v4.1: 1 of 1,613,448 alleles (0.000062%); highest among the groups gnomAD compares: Non-Finnish European, 0.000085%; no homozygotes.

Submission:

Labcorp Genetics (formerly Invitae), Labcorp
Classification: Uncertain significance for Ehlers-Danlos syndrome, classic type, 1. Last evaluated: 2022-03-04. Review status: criteria provided, single submitter. Criteria: Invitae Variant Classification Sherloc (09022015). Collection method: clinical testing. Allele origin: germline.
Comment: In summary, the available evidence is currently insufficient to determine the role of this variant in disease. Therefore, it has been classified as a Variant of Uncertain Significance. This variant disrupts the triple helix domain of COL5A1. Glycine residues within the Gly-Xaa-Yaa repeats of the triple helix domain are required for the structure and stability of fibrillar collagens (PMID: 7695699, 8218237, 19344236), and variants at these glycine residues in COL5A1 are more frequently observed in individuals with disease than in the general population (PMID: 22696272, 23587214). However, the clinical significance of this observation remains uncertain since only a limited number of affected individuals have been described to date. Advanced modeling of protein sequence and biophysical properties (such as structural, functional, and spatial information, amino acid conservation, physicochemical variation, residue mobility, and thermodynamic stability) performed at Invitae indicates that this missense variant is expected to disrupt COL5A1 protein function. This variant has not been reported in the literature in individuals affected with COL5A1-related conditions. This variant is not present in population databases (gnomAD no frequency). This sequence change replaces glycine, which is neutral and non-polar, with aspartic acid, which is acidic and polar, at codon 853 of the COL5A1 protein (p.Gly853Asp).

Literature cited by the submitters: PubMed 7695699; PubMed 8218237; PubMed 19344236; PubMed 22696272; PubMed 23587214.

NM_000093.5(COL5A1):c.2558G>A (p.Gly853Asp)

Gene: COL5A1 (collagen type V alpha 1 chain; plus strand). Cytogenetic location: 9q34.3.
Variant type: single nucleotide variant.
Coding change: c.2558G>A on transcript NM_000093.5 (MANE Select); coding-DNA position 2558, G replaced by A.
Protein change: p.Gly853Asp; replaces glycine 853 with aspartic acid.
Molecular consequence: missense variant.
Genome position (GRCh38, 1-based): chr9:134,785,062, G>A. VCF-style: chr9-134785062-G-A. GRCh37 (hg19) VCF-style: chr9-137676908-G-A.
Other names: c.2558G>A, p.Gly853Asp (NM_001278074.1); short protein forms G853D.
Identifiers: ClinVar variation 2106950 (VCV002106950.4), dbSNP rs2490724341, ClinGen allele CA375454448.